The following is an entry in ClinVar:

NM_016030.6(TRAPPC12):c.55C>T (p.Pro19Ser)

Gene: TRAPPC12 (trafficking protein particle complex subunit 12; plus strand). Cytogenetic location: 2p25.3.
Variant type: single nucleotide variant.
Coding change: c.55C>T on transcript NM_016030.6 (MANE Select); coding-DNA position 55, C replaced by T.
Protein change: p.Pro19Ser; replaces proline 19 with serine.
Molecular consequence: missense variant.
Genome position (GRCh38, 1-based): chr2:3,387,678, C>T. VCF-style: chr2-3387678-C-T. GRCh37 (hg19) VCF-style: chr2-3391449-C-T.
Other names: c.55C>T, p.Pro19Ser (NM_001321102.2); short protein forms P19S.
Identifiers: ClinVar variation 2236089 (VCV002236089.5), dbSNP rs752393610, ClinGen allele CA41516531.

ClinVar aggregate classification (germline): Uncertain significance. Review status: criteria provided, multiple submitters, no conflicts (2 of 4 stars). 2 submissions from 2 submitters: Uncertain significance (2). Last evaluated 2023-09-04.

Conditions:
Inborn genetic diseases. Identifiers: MedGen C0950123, MeSH D030342.

gnomAD v4.1: 5 of 1,558,666 alleles (0.00032%); highest among the groups gnomAD compares: African/African-American, 0.0041%; no homozygotes.

Submissions (2):

Labcorp Genetics (formerly Invitae), Labcorp
Classification: Uncertain significance. Last evaluated: 2023-09-04. Review status: criteria provided, single submitter. Criteria: Invitae Variant Classification Sherloc (09022015). Collection method: clinical testing. Allele origin: germline.
Comment: In summary, the available evidence is currently insufficient to determine the role of this variant in disease. Therefore, it has been classified as a Variant of Uncertain Significance. Advanced modeling of protein sequence and biophysical properties (such as structural, functional, and spatial information, amino acid conservation, physicochemical variation, residue mobility, and thermodynamic stability) performed at Invitae indicates that this missense variant is not expected to disrupt TRAPPC12 protein function. This sequence change replaces proline, which is neutral and non-polar, with serine, which is neutral and polar, at codon 19 of the TRAPPC12 protein (p.Pro19Ser). This variant is present in population databases (no rsID available, gnomAD 0.01%). This variant has not been reported in the literature in individuals affected with TRAPPC12-related conditions. ClinVar contains an entry for this variant (Variation ID: 2236089).

Ambry Genetics
Classification: Uncertain significance for Inborn genetic diseases. Last evaluated: 2021-07-09. Review status: criteria provided, single submitter. Criteria: Ambry Variant Classification Scheme 2023. Collection method: clinical testing. Allele origin: germline.